The following is an entry in ClinVar:

ClinVar aggregate classification (germline): Uncertain significance (1 of 4 stars; one submission).

Submission:

Labcorp Genetics (formerly Invitae), Labcorp
Classification: Uncertain significance. Last evaluated: 2022-08-19. Review status: criteria provided, single submitter. Criteria: Invitae Variant Classification Sherloc (09022015). Collection method: clinical testing. Allele origin: germline.
Comment: A copy number gain of the genomic region encompassing the full coding sequence of the NDP gene has been identified. The boundaries of this event are unknown as they extend beyond the assayed region for this gene and therefore may encompass additional genes. As the precise location of this event is unknown, it may be in tandem or it may be located elsewhere in the genome. This variant has not been reported in the literature in individuals affected with NDP-related conditions. In summary, the available evidence is currently insufficient to determine the role of this variant in disease. Therefore, it has been classified as a Variant of Uncertain Significance.

NC_000023.10:g.(?_43809045)_(43817891_?)dup

Gene: NDP (norrin cystine knot growth factor NDP; minus strand). Cytogenetic location: Xp11.3.
Variant type: Duplication.
Identifiers: ClinVar variation 1014528 (VCV001014528.2).